The following is an entry in ClinVar:

ClinVar aggregate classification (germline): Uncertain significance (1 of 4 stars; one submission).

Conditions:
Inborn genetic diseases. Identifiers: MedGen C0950123, MeSH D030342.

Submission:

Ambry Genetics
Classification: Uncertain significance for Inborn genetic diseases. Last evaluated: 2025-06-21. Review status: criteria provided, single submitter. Criteria: Ambry Variant Classification Scheme 2023. Collection method: clinical testing. Allele origin: germline.
Comment: The p.Y284N variant (also known as c.850T>A), located in coding exon 6 of the DNMT3A gene, results from a T to A substitution at nucleotide position 850. The tyrosine at codon 284 is replaced by asparagine, an amino acid with dissimilar properties. This amino acid position is conserved. In addition, this alteration is predicted to be deleterious by in silico analysis. Based on the available evidence, the clinical significance of this variant remains unclear.

NM_022552.5(DNMT3A):c.850T>A (p.Tyr284Asn)

Gene: DNMT3A (DNA methyltransferase 3 alpha; minus strand). Cytogenetic location: 2p23.3.
Variant type: single nucleotide variant.
Coding change: c.850T>A on transcript NM_022552.5 (MANE Select); coding-DNA position 850, T replaced by A.
Protein change: p.Tyr284Asn; replaces tyrosine 284 with asparagine.
Molecular consequence: missense variant. On other transcripts: non-coding transcript variant (1).
Genome position (GRCh38, 1-based): chr2:25,248,042, A>T on the plus strand (T>A on the coding strand, the complement: DNMT3A is on the minus strand). VCF-style: chr2-25248042-A-T. GRCh37 (hg19) VCF-style: chr2-25470911-A-T.
Other names: c.394T>A, p.Tyr132Asn (NM_001320893.1); c.181T>A, p.Tyr61Asn (NM_001375819.1); c.283T>A, p.Tyr95Asn (NM_153759.3); c.850T>A, p.Tyr284Asn (NM_175629.2); short protein forms Y95N, Y284N, Y132N, Y61N.
Identifiers: ClinVar variation 4243581 (VCV004243581.1).